The following is an entry in ClinVar:

ClinVar aggregate classification (germline): Uncertain significance (1 of 4 stars; one submission).

gnomAD v4.1: 4 of 1,572,074 alleles (0.00025%); highest among the groups gnomAD compares: African/African-American, 0.0041%; no homozygotes.

Submission:

Labcorp Genetics (formerly Invitae), Labcorp
Classification: Uncertain significance. Last evaluated: 2024-02-09. Review status: criteria provided, single submitter. Criteria: Invitae Variant Classification Sherloc (09022015). Collection method: clinical testing. Allele origin: germline.
Comment: This sequence change affects an acceptor splice site in intron 28 of the RIMS1 gene. It is expected to disrupt RNA splicing. Variants that disrupt the donor or acceptor splice site typically lead to a loss of protein function (PMID: 16199547), however the current clinical and genetic evidence is not sufficient to establish whether loss-of-function variants in RIMS1 cause disease. This variant is not present in population databases (gnomAD no frequency). This variant has not been reported in the literature in individuals affected with RIMS1-related conditions. Algorithms developed to predict the effect of sequence changes on RNA splicing suggest that this variant may disrupt the consensus splice site. In summary, the available evidence is currently insufficient to determine the role of this variant in disease. Therefore, it has been classified as a Variant of Uncertain Significance.

Literature cited by the submitters: PubMed 16199547.

NM_014989.7(RIMS1):c.4131-1G>C

Gene: RIMS1 (regulating synaptic membrane exocytosis 1; plus strand). Cytogenetic location: 6q13.
Variant type: single nucleotide variant.
Coding change: c.4131-1G>C on transcript NM_014989.7 (MANE Select); the canonical splice acceptor site of the intron before coding-DNA position 4131, G replaced by C.
Molecular consequence: splice acceptor variant. On other transcripts: intron variant (31).
Genome position (GRCh38, 1-based): chr6:72,333,599, G>C. VCF-style: chr6-72333599-G-C. GRCh37 (hg19) VCF-style: chr6-73043302-G-C.
Other names: c.1950-1G>C (NM_001350421.2); c.1669+41553G>C (NM_001350450.2); c.2100-1G>C (NM_001350458.2); c.2178-1G>C (NM_001350433.2); c.2277-1G>C (NM_001350446.2); c.1996+41553G>C (NM_001350442.2); c.2124-28G>C (NM_001350416.2); c.2094-1G>C (NM_001350448.2); and 53 more.
Identifiers: ClinVar variation 3686575 (VCV003686575.2).